The following is an entry in ClinVar:

ClinVar aggregate classification (germline): Uncertain significance. Review status: criteria provided, multiple submitters, no conflicts (2 of 4 stars). 3 submissions from 3 submitters: Uncertain significance (3). Last evaluated 2026-02-05.

Conditions:
PDZD7-related disorder. Also called: PDZD7-related disorders; PDZD7-related condition.

Allele frequency attached by ClinVar (database versions not stated): gnomAD exomes 0.00001 and 0.00003; TOPMed 0.00001.
gnomAD v4.1: 8 of 1,550,548 alleles (0.00052%); highest among the groups gnomAD compares: Admixed American, 0.0059%; no homozygotes.

Submissions (3):

PreventionGenetics, part of Exact Sciences
Classification: Uncertain significance for PDZD7-related condition. Last evaluated: 2026-02-05. Review status: criteria provided, single submitter. Criteria: ACMG Guidelines, 2015. Collection method: clinical testing. Allele origin: germline.
Comment: The PDZD7 c.1832A>G variant is predicted to result in the amino acid substitution p.Gln611Arg. To our knowledge, this variant has not been reported in the literature. This variant is reported in 0.012% of alleles in individuals of Latino descent in gnomAD. At this time, the clinical significance of this variant is uncertain due to the absence of conclusive functional and genetic evidence.

Labcorp Genetics (formerly Invitae), Labcorp
Classification: Uncertain significance. Last evaluated: 2024-10-23. Review status: criteria provided, single submitter. Criteria: Invitae Variant Classification Sherloc (09022015). Collection method: clinical testing. Allele origin: germline.
Comment: This sequence change replaces glutamine, which is neutral and polar, with arginine, which is basic and polar, at codon 611 of the PDZD7 protein (p.Gln611Arg). This variant is present in population databases (no rsID available, gnomAD 0.008%). This variant has not been reported in the literature in individuals affected with PDZD7-related conditions. ClinVar contains an entry for this variant (Variation ID: 932327). Invitae Evidence Modeling of protein sequence and biophysical properties (such as structural, functional, and spatial information, amino acid conservation, physicochemical variation, residue mobility, and thermodynamic stability) indicates that this missense variant is not expected to disrupt PDZD7 protein function with a negative predictive value of 80%. In summary, the available evidence is currently insufficient to determine the role of this variant in disease. Therefore, it has been classified as a Variant of Uncertain Significance.

CeGaT Center for Human Genetics Tuebingen
Classification: Uncertain significance. Last evaluated: 2020-05-01. Review status: criteria provided, single submitter. Criteria: CeGaT Center For Human Genetics Tuebingen Variant Classification Criteria Version 2. Collection method: clinical testing. Allele origin: germline. Affected: yes. Observed: 1 variant allele.

NM_001195263.2(PDZD7):c.1832A>G (p.Gln611Arg)

Gene: PDZD7 (PDZ domain containing 7; minus strand). Cytogenetic location: 10q24.31.
Variant type: single nucleotide variant.
Coding change: c.1832A>G on transcript NM_001195263.2 (MANE Select); coding-DNA position 1832, A replaced by G.
Protein change: p.Gln611Arg; replaces glutamine 611 with arginine.
Molecular consequence: missense variant.
Genome position (GRCh38, 1-based): chr10:101,012,176, T>C on the plus strand (A>G on the coding strand, the complement: PDZD7 is on the minus strand). VCF-style: chr10-101012176-T-C. GRCh37 (hg19) VCF-style: chr10-102771933-T-C.
Other names: short protein forms Q611R.
Identifiers: ClinVar variation 932327 (VCV000932327.47), dbSNP rs1006592882, ClinGen allele CA212979904.
Genomic context (GRCh38, chr10:101,012,176, plus strand): 5'-TACCAGGGATCCCCTTCCTGCCCCCAAGCCCTCTCTGCAACCTCCTCCCACCTGATGTCC[T>C]GCAGCAGTAGCAGCTTCTCCGGCCTGTCGAGGATGGCCAGCAGGGGCCTCACCAGGTCCT-3'
Protein context (NP_001182192.1, residues 601-621): LDRPEKLLLL[Gln611Arg]DIRSVVAPTD